The following is an entry in ClinVar:

NM_030973.4(MED25):c.1304A>G (p.His435Arg)

Gene: MED25 (mediator complex subunit 25; plus strand). Cytogenetic location: 19q13.33.
Variant type: single nucleotide variant.
Coding change: c.1304A>G on transcript NM_030973.4 (MANE Select); coding-DNA position 1304, A replaced by G.
Protein change: p.His435Arg; replaces histidine 435 with arginine.
Molecular consequence: missense variant.
Genome position (GRCh38, 1-based): chr19:49,832,009, A>G. VCF-style: chr19-49832009-A-G. GRCh37 (hg19) VCF-style: chr19-50335266-A-G.
Other names: c.1304A>G, p.His435Arg (NM_001378355.1); short protein forms H435R.
Identifiers: ClinVar variation 1896170 (VCV001896170.5), dbSNP rs1226858101, ClinGen allele CA406916935.
Genomic context (GRCh38, chr19:49,832,009, plus strand): 5'-CCTCAGTGGATGCCAACACCAAGCTGACGCGGTCACTGCCCTGCCAGGTCTACGTGAATC[A>G]TGGCGAGAACCTGTAGGTGACAGTCAGGGGCGGGGTGTGGTGGGGCTGGGGCTGGCCCCC-3'
Protein context (NP_112235.2, residues 425-445): RSLPCQVYVN[His435Arg]GENLKTEQWP

ClinVar aggregate classification (germline): Uncertain significance (1 of 4 stars; one submission).

Conditions:
Charcot-Marie-Tooth disease type 2. Also called: Charcot-Marie-Tooth type 2. Identifiers: Orphanet 64746, MedGen C0270914, MONDO:0018993.

Allele frequency attached by ClinVar (database versions not stated): gnomAD 0.00001; gnomAD exomes below 0.00001.

Submission:

Labcorp Genetics (formerly Invitae), Labcorp
Classification: Uncertain significance for Charcot-Marie-Tooth disease type 2. Last evaluated: 2022-08-16. Review status: criteria provided, single submitter. Criteria: Invitae Variant Classification Sherloc (09022015). Collection method: clinical testing. Allele origin: germline.
Comment: In summary, the available evidence is currently insufficient to determine the role of this variant in disease. Therefore, it has been classified as a Variant of Uncertain Significance. Algorithms developed to predict the effect of missense changes on protein structure and function (SIFT, PolyPhen-2, Align-GVGD) all suggest that this variant is likely to be tolerated. This variant has not been reported in the literature in individuals affected with MED25-related conditions. This variant is present in population databases (no rsID available, gnomAD 0.01%). This sequence change replaces histidine, which is basic and polar, with arginine, which is basic and polar, at codon 435 of the MED25 protein (p.His435Arg).